The following is an entry in ClinVar:

ClinVar aggregate classification (germline): Uncertain significance (1 of 4 stars; one submission).

Submission:

GeneDx
Classification: Uncertain significance. Last evaluated: 2024-05-07. Review status: criteria provided, single submitter. Criteria: GeneDx Variant Classification Process June 2021. Collection method: clinical testing. Allele origin: germline. Affected: yes.
Comment: Not observed at significant frequency in large population cohorts (gnomAD); In silico analysis indicates that this missense variant does not alter protein structure/function; Has not been previously published as pathogenic or benign to our knowledge

NM_001197104.2(KMT2A):c.9113T>G (p.Val3038Gly)

Gene: KMT2A (lysine methyltransferase 2A; plus strand). Cytogenetic location: 11q23.3.
Variant type: single nucleotide variant.
Coding change: c.9113T>G on transcript NM_001197104.2 (MANE Select); coding-DNA position 9113, T replaced by G.
Protein change: p.Val3038Gly; replaces valine 3038 with glycine.
Molecular consequence: missense variant.
Genome position (GRCh38, 1-based): chr11:118,505,005, T>G. VCF-style: chr11-118505005-T-G. GRCh37 (hg19) VCF-style: chr11-118375720-T-G.
Other names: c.9203T>G, p.Val3068Gly (NM_001412597.1); c.9104T>G, p.Val3035Gly (NM_005933.4); short protein forms V3035G, V3038G, V3068G.
Identifiers: ClinVar variation 3375579 (VCV003375579.1).